The following is an entry in ClinVar:

ClinVar aggregate classification (germline): Pathogenic (1 of 4 stars; one submission).

Conditions:
Glycogen storage disease type III (GSD3). Also called: FORBES DISEASE; Cori disease. Identifiers: Orphanet 366, MedGen C0017922, MONDO:0009291, OMIM 232400.

Submission:

Centro de Biología Molecular Severo Ochoa, Universidad Autónoma de Madrid
Classification: Pathogenic for Glycogen storage disease type III. Last evaluated: 2025-11-10. Review status: criteria provided, single submitter. Criteria: ACMG Guidelines, 2015. Collection method: clinical testing. Allele origin: unknown. Inheritance: Autosomal recessive inheritance. Affected: yes.
Comment: Since the variant has an effect at the mRNA level (functional genomics), is not present in population frequency databases, and is found in trans with a previously reported pathogenic variant (compound heterozygosity), we classify this variant as pathogenic according to ACMG guidelines

NM_000642.3(AGL):c.3259+927A>G

Gene: AGL (amylo-alpha-1,6-glucosidase and 4-alpha-glucanotransferase; plus strand). Cytogenetic location: 1p21.2.
Variant type: single nucleotide variant.
Coding change: c.3259+927A>G on transcript NM_000642.3 (MANE Select); 927 bases into the intron after coding-DNA position 3259, A replaced by G.
Molecular consequence: intron variant.
Genome position (GRCh38, 1-based): chr1:99,893,534, A>G. VCF-style: chr1-99893534-A-G. GRCh37 (hg19) VCF-style: chr1-100359090-A-G.
Other names: c.3058+927A>G (NM_001425327.1); c.3055+927A>G (NM_001425328.1); c.2920+927A>G (NM_001425329.1); c.2881+927A>G (NM_001425332.1); c.3259+927A>G (NM_001425325.1, NM_000028.3, NM_000643.3 and 1 more transcripts); c.3211+927A>G (NM_000646.3); c.3238+927A>G (NM_001425326.1).
Identifiers: ClinVar variation 4529480 (VCV004529480.1).